The following is an entry in ClinVar:

ClinVar aggregate classification (germline): Uncertain significance (1 of 4 stars; one submission).

gnomAD v4.1: 1 of 1,614,062 alleles (0.000062%); highest among the groups gnomAD compares: Non-Finnish European, 0.000085%; no homozygotes.

Submission:

Ambry Genetics
Classification: Uncertain significance. Last evaluated: 2025-04-04. Review status: criteria provided, single submitter. Criteria: Ambry Variant Classification Scheme 2023. Collection method: clinical testing. Allele origin: germline.
Comment: The p.W161R variant (also known as c.481T>C), located in coding exon 4 of the SRP72 gene, results from a T to C substitution at nucleotide position 481. The tryptophan at codon 161 is replaced by arginine, an amino acid with dissimilar properties. This amino acid position is conserved. In addition, the in silico prediction for this alteration is inconclusive. Based on the available evidence, the clinical significance of this variant remains unclear.

NM_006947.4(SRP72):c.481T>C (p.Trp161Arg)

Gene: SRP72 (signal recognition particle 72; plus strand). Cytogenetic location: 4q12.
Variant type: single nucleotide variant.
Coding change: c.481T>C on transcript NM_006947.4 (MANE Select); coding-DNA position 481, T replaced by C.
Protein change: p.Trp161Arg; replaces tryptophan 161 with arginine.
Molecular consequence: missense variant. On other transcripts: non-coding transcript variant (1).
Genome position (GRCh38, 1-based): chr4:56,474,180, T>C. VCF-style: chr4-56474180-T-C. GRCh37 (hg19) VCF-style: chr4-57340346-T-C.
Other names: c.481T>C, p.Trp161Arg (NM_001267722.2); short protein forms W161R.
Identifiers: ClinVar variation 3962053 (VCV003962053.1).
Genomic context (GRCh38, chr4:56,474,180, plus strand): 5'-GATGATTATGATGAGGAGAGGAAAACAAACCTTTCAGCAGTTGTTGCAGCTCAAAGCAAT[T>C]GGGAAAAAGTGGTTCCAGTGAGTATCCTTGTGGTGTACCCATACAGTCATGAATTATTAT-3'
Protein context (NP_008878.3, residues 151-171): LSAVVAAQSN[Trp161Arg]EKVVPENLGL